The following is an entry in ClinVar:

ClinVar aggregate classification (germline): Uncertain significance (1 of 4 stars; one submission).

Conditions:
Autosomal dominant nocturnal frontal lobe epilepsy 5. Also called: CILIARY DYSKINESIA, PRIMARY, 28, WITHOUT SITUS INVERSUS; CILIARY DYSKINESIA, PRIMARY, 28, WITH SITUS INVERSUS; KCNT1-Related Epilepsy; Epilepsy, nocturnal frontal lobe, 5. Identifiers: Orphanet 98784, MedGen C3554306, MONDO:0014002, OMIM 615005.
Developmental and epileptic encephalopathy, 14 (DEE14). Also called: Early infantile epileptic encephalopathy 14. Identifiers: Orphanet 293181, MedGen C3554195, MONDO:0013989, OMIM 614959.

Submission:

Labcorp Genetics (formerly Invitae), Labcorp
Classification: Uncertain significance for Autosomal dominant nocturnal frontal lobe epilepsy 5; Developmental and epileptic encephalopathy, 14. Last evaluated: 2025-09-19. Review status: criteria provided, single submitter. Criteria: Invitae Variant Classification Sherloc (09022015). Collection method: clinical testing. Allele origin: germline.
Comment: This sequence change falls in intron 13 of the KCNT1 gene. It does not directly change the encoded amino acid sequence of the KCNT1 protein. It affects a nucleotide within the consensus splice site. This variant is not present in population databases (gnomAD no frequency). This variant has not been reported in the literature in individuals affected with KCNT1-related conditions. Variants that disrupt the consensus splice site are a relatively common cause of aberrant splicing (PMID: 17576681, 9536098). Algorithms developed to predict the effect of sequence changes on RNA splicing suggest that this variant is not likely to affect RNA splicing. In summary, the available evidence is currently insufficient to determine the role of this variant in disease. Therefore, it has been classified as a Variant of Uncertain Significance.

Literature cited by the submitters: PubMed 17576681; PubMed 9536098.

NM_020822.3(KCNT1):c.1337+4A>G

Gene: KCNT1 (potassium sodium-activated channel subfamily T member 1; plus strand). Cytogenetic location: 9q34.3.
Variant type: single nucleotide variant.
Coding change: c.1337+4A>G on transcript NM_020822.3 (MANE Select); 4 bases into the intron after coding-DNA position 1337, A replaced by G.
Molecular consequence: intron variant.
Genome position (GRCh38, 1-based): chr9:135,765,764, A>G. VCF-style: chr9-135765764-A-G. GRCh37 (hg19) VCF-style: chr9-138657610-A-G.
Other names: c.1202+4A>G (NM_001272003.2).
Identifiers: ClinVar variation 4786124 (VCV004786124.1).